The following is an entry in ClinVar:

NM_005045.4(RELN):c.4415C>G (p.Thr1472Ser)

Gene: RELN (reelin; minus strand). Cytogenetic location: 7q22.1.
Variant type: single nucleotide variant.
Coding change: c.4415C>G on transcript NM_005045.4 (MANE Select); coding-DNA position 4415, C replaced by G.
Protein change: p.Thr1472Ser; replaces threonine 1472 with serine.
Molecular consequence: missense variant.
Genome position (GRCh38, 1-based): chr7:103,574,188, G>C on the plus strand (C>G on the coding strand, the complement: RELN is on the minus strand). VCF-style: chr7-103574188-G-C. GRCh37 (hg19) VCF-style: chr7-103214635-G-C.
Other names: c.4415C>G, p.Thr1472Ser (NM_173054.3); short protein forms T1472S.
Identifiers: ClinVar variation 967623 (VCV000967623.8), dbSNP rs1830944848, ClinGen allele CA368750782.

ClinVar aggregate classification (germline): Uncertain significance (1 of 4 stars; one submission).

Conditions:
Norman-Roberts syndrome (LIS2). Also called: Lissencephaly 2 (Norman-Roberts type). Identifiers: Orphanet 89844, MedGen C0796089, MONDO:0009760, OMIM 257320.
Familial temporal lobe epilepsy 7. Identifiers: Orphanet 101046, MedGen C4225327, MONDO:0014639, OMIM 616436.

Submission:

Labcorp Genetics (formerly Invitae), Labcorp
Classification: Uncertain significance for Familial temporal lobe epilepsy 7; Norman-Roberts syndrome. Last evaluated: 2022-10-13. Review status: criteria provided, single submitter. Criteria: Invitae Variant Classification Sherloc (09022015). Collection method: clinical testing. Allele origin: germline.
Comment: In summary, the available evidence is currently insufficient to determine the role of this variant in disease. Therefore, it has been classified as a Variant of Uncertain Significance. Advanced modeling of protein sequence and biophysical properties (such as structural, functional, and spatial information, amino acid conservation, physicochemical variation, residue mobility, and thermodynamic stability) performed at Invitae indicates that this missense variant is not expected to disrupt RELN protein function. ClinVar contains an entry for this variant (Variation ID: 967623). This variant has not been reported in the literature in individuals affected with RELN-related conditions. This variant is not present in population databases (gnomAD no frequency). This sequence change replaces threonine, which is neutral and polar, with serine, which is neutral and polar, at codon 1472 of the RELN protein (p.Thr1472Ser).